The following is an entry in ClinVar:

ClinVar aggregate classification (germline): Uncertain significance. Review status: criteria provided, multiple submitters, no conflicts (2 of 4 stars). 2 submissions from 2 submitters: Uncertain significance (2). Last evaluated 2025-09-09.

Conditions:
Ehlers-Danlos syndrome, type 4 (EDSVASC). Also called: Ehlers-Danlos Syndrome Type IV; Ehlers-Danlos syndrome vascular type; Ehlers Danlos syndrome, ecchymotic type; Ehlers Danlos syndrome, arterial type; Ehlers Danlos syndrome, Sack-Barabas type. Identifiers: Orphanet 286, MedGen C0268338, MONDO:0017314, OMIM 130050.

Allele frequency attached by ClinVar (database versions not stated): gnomAD exomes below 0.00001; TOPMed 0.00001.
gnomAD v4.1: 1 of 1,614,084 alleles (0.000062%); highest among the groups gnomAD compares: Admixed American, 0.0017%; no homozygotes.

Submissions (2):

Labcorp Genetics (formerly Invitae), Labcorp
Classification: Uncertain significance for Ehlers-Danlos syndrome, type 4. Last evaluated: 2025-09-09. Review status: criteria provided, single submitter. Criteria: Invitae Variant Classification Sherloc (09022015). Collection method: clinical testing. Allele origin: germline.
Comment: This sequence change replaces alanine, which is neutral and non-polar, with threonine, which is neutral and polar, at codon 719 of the COL3A1 protein (p.Ala719Thr). This variant is not present in population databases (gnomAD no frequency). This variant has not been reported in the literature in individuals affected with COL3A1-related conditions. ClinVar contains an entry for this variant (Variation ID: 3071753). Invitae Evidence Modeling of protein sequence and biophysical properties (such as structural, functional, and spatial information, amino acid conservation, physicochemical variation, residue mobility, and thermodynamic stability) indicates that this missense variant is not expected to disrupt COL3A1 protein function with a negative predictive value of 95%. In summary, the available evidence is currently insufficient to determine the role of this variant in disease. Therefore, it has been classified as a Variant of Uncertain Significance.

All of Us Research Program, National Institutes of Health
Classification: Uncertain significance for Ehlers-Danlos syndrome, type 4. Last evaluated: 2023-06-28. Review status: criteria provided, single submitter. Criteria: ACMG Guidelines, 2015. Collection method: clinical testing. Allele origin: germline. Inheritance: Autosomal dominant inheritance. Observed: 1 variant allele, 1 heterozygote.
Comment: This study involves interpretation of variants in research participants for the purpose of population health screening. Participant phenotype was not available at the time of variant classification. Additional details can be found in publication PMID: 35346344, PMCID: PMC8962531

NM_000090.4(COL3A1):c.2155G>A (p.Ala719Thr)

Gene: COL3A1 (collagen type III alpha 1 chain; plus strand). Cytogenetic location: 2q32.2.
Variant type: single nucleotide variant.
Coding change: c.2155G>A on transcript NM_000090.4 (MANE Select); coding-DNA position 2155, G replaced by A.
Protein change: p.Ala719Thr; replaces alanine 719 with threonine.
Molecular consequence: missense variant.
Genome position (GRCh38, 1-based): chr2:188,999,503, G>A. VCF-style: chr2-188999503-G-A. GRCh37 (hg19) VCF-style: chr2-189864229-G-A.
Other names: short protein forms A719T.
Identifiers: ClinVar variation 3071753 (VCV003071753.2), dbSNP rs1688406430, ClinGen allele CA349840624.